The following is an entry in ClinVar:

NM_005751.5(AKAP9):c.7469G>A (p.Gly2490Asp)

Gene: AKAP9 (A-kinase anchoring protein 9; plus strand). Cytogenetic location: 7q21.2.
Variant type: single nucleotide variant.
Coding change: c.7469G>A on transcript NM_005751.5 (MANE Select); coding-DNA position 7469, G replaced by A.
Protein change: p.Gly2490Asp; replaces glycine 2490 with aspartic acid.
Molecular consequence: missense variant.
Genome position (GRCh38, 1-based): chr7:92,079,602, G>A. VCF-style: chr7-92079602-G-A. GRCh37 (hg19) VCF-style: chr7-91708916-G-A.
Other names: c.2114G>A, p.Gly705Asp (NM_001379277.1); c.7445G>A, p.Gly2482Asp (NM_147185.3); short protein forms G2490D, G2482D, G705D.
Identifiers: ClinVar variation 240259 (VCV000240259.9), dbSNP rs760800507, ClinGen allele CA4337289.
Genomic context (GRCh38, chr7:92,079,602, plus strand): 5'-CAGAGGATGCTCTTAAATCCCTAGAAAATCAGACATACTTCAAATCTTTTGAAGAAAATG[G>A]CAAAGGTTCCATAATTAATTTGGAAACAAGGTTGCTACAACTTGAGAGCACTGTTAGTGC-3'
Protein context (NP_005742.4, residues 2480-2500): QTYFKSFEEN[Gly2490Asp]KGSIINLETR

ClinVar aggregate classification (germline): Uncertain significance (1 of 4 stars; one submission).

Conditions:
Long QT syndrome (LQTS). Identifiers: MedGen C0023976, MeSH D008133, MONDO:0002442. Disease mechanism: loss of function. Inheritance: Various modes of inheritance.

Allele frequency attached by ClinVar (database versions not stated): gnomAD exomes below 0.00001 and 0.00002; ExAC 0.00001; gnomAD 0.00001; TOPMed 0.00001.
gnomAD v4.1: 34 of 1,613,748 alleles (0.0021%); highest among the groups gnomAD compares: Non-Finnish European, 0.0026%; no homozygotes.

Submission:

Labcorp Genetics (formerly Invitae), Labcorp
Classification: Uncertain significance for Long QT syndrome. Last evaluated: 2026-01-15. Review status: criteria provided, single submitter. Criteria: Invitae Variant Classification Sherloc (09022015). Collection method: clinical testing. Allele origin: germline.
Comment: This sequence change replaces glycine, which is neutral and non-polar, with aspartic acid, which is acidic and polar, at codon 2490 of the AKAP9 protein (p.Gly2490Asp). This variant is present in population databases (rs760800507, gnomAD 0.0009%). This variant has not been reported in the literature in individuals affected with AKAP9-related conditions. ClinVar contains an entry for this variant (Variation ID: 240259). An algorithm developed to predict the effect of missense changes on protein structure and function (PolyPhen-2) suggests that this variant is likely to be tolerated. In summary, the available evidence is currently insufficient to determine the role of this variant in disease. Therefore, it has been classified as a Variant of Uncertain Significance.